The following is an entry in ClinVar:

NM_001244008.2(KIF1A):c.5313_5314delinsAG (p.Leu1772Val)

Gene: KIF1A (kinesin family member 1A; minus strand). Cytogenetic location: 2q37.3.
Variant type: Indel.
Coding change: c.5313_5314delinsAG on transcript NM_001244008.2 (MANE Select); coding-DNA positions 5313 to 5314, CC replaced by AG.
Protein change: p.Leu1772Val; replaces leucine 1772 with valine.
Molecular consequence: missense variant.
Genome position (GRCh38, 1-based): chr2:240,718,069-240,718,070, GG replaced by CT on the plus strand (CC replaced by AG on the coding strand, the reverse complement: KIF1A is on the minus strand). VCF-style: chr2-240718069-GG-CT. GRCh37 (hg19) VCF-style: chr2-241657486-GG-CT.
Other names: c.5037_5038delinsAG, p.Leu1680Val (NM_001320705.2, NM_001379649.1); c.5064_5065delinsAG, p.Leu1689Val (NM_001330289.2); c.5112_5113delinsAG, p.Leu1705Val (NM_001330290.2, NM_001379648.1); c.5388_5389delinsAG, p.Leu1797Val (NM_001379631.1); c.5289_5290delinsAG, p.Leu1764Val (NM_001379632.1); c.5286_5287delinsAG, p.Leu1763Val (NM_001379633.1, NM_001379645.1); c.5139_5140delinsAG, p.Leu1714Val (NM_001379634.1); c.5136_5137delinsAG, p.Leu1713Val (NM_001379635.1, NM_001379646.1); and 9 more; short protein forms L1680V, L1696V, L1671V, L1709V, L1714V, L1763V, L1797V, L1659V.
Identifiers: ClinVar variation 2125975 (VCV002125975.4), dbSNP rs2536567870, ClinGen allele CA2580068028.

ClinVar aggregate classification (germline): Uncertain significance (1 of 4 stars; one submission).

Conditions:
Neuropathy, hereditary sensory, type 2C. Also called: Hereditary sensory and autonomic neuropathy type IIC; KIF1A-Related HSAN2 (HSAN2C). Identifiers: Orphanet 970, MedGen C3280168, MONDO:0013634, OMIM 614213.
Intellectual disability, autosomal dominant 9 (NESCAVS). Also called: NESCAV SYNDROME; KIF1A-Related Neurodevelopmental Disorder. Identifiers: Orphanet 662367, MedGen C5393830, MONDO:0013656, OMIM 614255.
Hereditary spastic paraplegia 30. Identifiers: Orphanet 101010, MedGen C5235139, MONDO:0012476.

Submission:

Labcorp Genetics (formerly Invitae), Labcorp
Classification: Uncertain significance for Hereditary spastic paraplegia 30; Neuropathy, hereditary sensory, type 2C; Intellectual disability, autosomal dominant 9. Last evaluated: 2022-04-13. Review status: criteria provided, single submitter. Criteria: Invitae Variant Classification Sherloc (09022015). Collection method: clinical testing. Allele origin: germline.
Comment: Experimental studies and prediction algorithms are not available or were not evaluated, and the functional significance of this variant is currently unknown. In summary, the available evidence is currently insufficient to determine the role of this variant in disease. Therefore, it has been classified as a Variant of Uncertain Significance. This variant has not been reported in the literature in individuals affected with KIF1A-related conditions. Information on the frequency of this variant in the gnomAD database is not available, as this variant may be reported differently in the database. This sequence change replaces leucine, which is neutral and non-polar, with valine, which is neutral and non-polar, at codon 1671 of the KIF1A protein (p.Leu1671Val).